The following is an entry in ClinVar:

NM_130837.3(OPA1):c.1681+6C>G

Gene: OPA1 (OPA1 mitochondrial dynamin like GTPase; plus strand). Cytogenetic location: 3q29.
Variant type: single nucleotide variant.
Coding change: c.1681+6C>G on transcript NM_130837.3 (MANE Select); 6 bases into the intron after coding-DNA position 1681, C replaced by G.
Molecular consequence: intron variant.
Genome position (GRCh38, 1-based): chr3:193,645,631, C>G. VCF-style: chr3-193645631-C-G. GRCh37 (hg19) VCF-style: chr3-193363420-C-G.
Other names: c.1144+6C>G (NM_001354664.2); c.1147+6C>G (NM_001354663.2); c.1570+6C>G (NM_130834.3); c.1627+6C>G (NM_130836.3); c.1516+6C>G (NM_015560.3); c.1573+6C>G (NM_130835.3); c.1462+6C>G (NM_130832.3); c.1519+6C>G (NM_130833.3); and 1 more.
Identifiers: ClinVar variation 1394463 (VCV001394463.6), dbSNP rs2109057744, ClinGen allele CA2573136856.

ClinVar aggregate classification (germline): Uncertain significance (1 of 4 stars; one submission).

Submission:

Labcorp Genetics (formerly Invitae), Labcorp
Classification: Uncertain significance. Last evaluated: 2025-04-28. Review status: criteria provided, single submitter. Criteria: Invitae Variant Classification Sherloc (09022015). Collection method: clinical testing. Allele origin: germline.
Comment: This sequence change falls in intron 15 of the OPA1 gene. It does not directly change the encoded amino acid sequence of the OPA1 protein. It affects a nucleotide within the consensus splice site. This variant is not present in population databases (gnomAD no frequency). This variant has not been reported in the literature in individuals affected with OPA1-related conditions. ClinVar contains an entry for this variant (Variation ID: 1394463). Variants that disrupt the consensus splice site are a relatively common cause of aberrant splicing (PMID: 17576681, 9536098). Algorithms developed to predict the effect of sequence changes on RNA splicing suggest that this variant is not likely to affect RNA splicing. In summary, the available evidence is currently insufficient to determine the role of this variant in disease. Therefore, it has been classified as a Variant of Uncertain Significance.

Literature cited by the submitters: PubMed 17576681; PubMed 9536098.